The following is an entry in ClinVar:

NM_003562.5(SLC25A11):c.293G>A (p.Arg98His)

Gene: SLC25A11 (solute carrier family 25 member 11; minus strand). Cytogenetic location: 17p13.2.
Variant type: single nucleotide variant.
Coding change: c.293G>A on transcript NM_003562.5 (MANE Select); coding-DNA position 293, G replaced by A.
Protein change: p.Arg98His; replaces arginine 98 with histidine.
Molecular consequence: missense variant.
Genome position (GRCh38, 1-based): chr17:4,938,931, C>T on the plus strand (G>A on the coding strand, the complement: SLC25A11 is on the minus strand). VCF-style: chr17-4938931-C-T. GRCh37 (hg19) VCF-style: chr17-4842226-C-T.
Other names: c.260G>A, p.Arg87His (NM_001165417.2); c.140G>A, p.Arg47His (NM_001165418.2); short protein forms R98H, R47H, R87H.
Identifiers: ClinVar variation 4747149 (VCV004747149.1).

ClinVar aggregate classification (germline): Uncertain significance (1 of 4 stars; one submission).

gnomAD v4.1: 5 of 1,614,096 alleles (0.00031%); highest among the groups gnomAD compares: Non-Finnish European, 0.00042%; no homozygotes.

Submission:

Labcorp Genetics (formerly Invitae), Labcorp
Classification: Uncertain significance. Last evaluated: 2025-12-30. Review status: criteria provided, single submitter. Criteria: Invitae Variant Classification Sherloc (09022015). Collection method: clinical testing. Allele origin: germline.
Comment: This sequence change replaces arginine, which is basic and polar, with histidine, which is basic and polar, at codon 98 of the SLC25A11 protein (p.Arg98His). This variant is not present in population databases (gnomAD no frequency). This variant has not been reported in the literature in individuals affected with SLC25A11-related conditions. Invitae Evidence Modeling of protein sequence and biophysical properties (such as structural, functional, and spatial information, amino acid conservation, physicochemical variation, residue mobility, and thermodynamic stability) indicates that this missense variant is expected to disrupt SLC25A11 protein function with a positive predictive value of 80%. In summary, the available evidence is currently insufficient to determine the role of this variant in disease. Therefore, it has been classified as a Variant of Uncertain Significance.